The following is an entry in ClinVar:

NM_001353345.2(SETD1B):c.1245C>T (p.Thr415=)

Gene: SETD1B (SET domain containing 1B, histone lysine methyltransferase; plus strand). Cytogenetic location: 12q24.31.
Variant type: single nucleotide variant.
Coding change: c.1245C>T on transcript NM_001353345.2 (MANE Select); coding-DNA position 1245, C replaced by T.
Protein change: p.Thr415=; no amino-acid change (threonine 415 retained).
Molecular consequence: synonymous variant.
Genome position (GRCh38, 1-based): chr12:121,810,190, C>T. VCF-style: chr12-121810190-C-T. GRCh37 (hg19) VCF-style: chr12-122248096-C-T.
Other names: NM_015048.1:c.1245C>T.
Identifiers: ClinVar variation 3058804 (VCV003058804.2), dbSNP rs768205948, ClinGen allele CA6838846.
Genomic context (GRCh38, chr12:121,810,190, plus strand): 5'-TGCTTTCTCTCCGTATCAGACCCCAGTGGCCCACTTCCCTCCACCCCCGGAAGAGCCCAC[C>T]GCCACAGCCGCTTTTGGGGCCCGCGACAGTGGGGAGTTCCGGAGGGCACCGGCGCCCCCA-3'
Protein context (NP_001340274.1, residues 405-425): AHFPPPPEEP[Thr415=]ATAAFGARDS

ClinVar aggregate classification (germline): Likely benign (0 of 4 stars; one submission).

Conditions:
SETD1B-related disorder. Also called: SETD1B-related condition.

Allele frequency attached by ClinVar (database versions not stated): ExAC 0.00038.
gnomAD v4.1: 46 of 1,549,600 alleles (0.003%); highest among the groups gnomAD compares: South Asian, 0.015%; no homozygotes.

Submission:

PreventionGenetics, part of Exact Sciences
Classification: Likely benign for SETD1B-related condition. Last evaluated: 2019-04-08. Review status: no assertion criteria provided. Collection method: clinical testing. Allele origin: germline.
Comment: This variant is classified as likely benign based on ACMG/AMP sequence variant interpretation guidelines (Richards et al. 2015 PMID: 25741868, with internal and published modifications).